The following is an entry in ClinVar:

NM_080680.3(COL11A2):c.1476G>C (p.Met492Ile)

Gene: COL11A2 (collagen type XI alpha 2 chain; minus strand). Cytogenetic location: 6p21.32.
Variant type: single nucleotide variant.
Coding change: c.1476G>C on transcript NM_080680.3 (MANE Select); coding-DNA position 1476, G replaced by C.
Protein change: p.Met492Ile; replaces methionine 492 with isoleucine.
Molecular consequence: missense variant.
Genome position (GRCh38, 1-based): chr6:33,179,458, C>G on the plus strand (G>C on the coding strand, the complement: COL11A2 is on the minus strand). VCF-style: chr6-33179458-C-G. GRCh37 (hg19) VCF-style: chr6-33147235-C-G.
Other names: c.450G>C, p.Met150Ile (NM_001424110.1, NM_001424111.1); c.1155G>C, p.Met385Ile (NM_080679.3); c.1218G>C, p.Met406Ile (NM_080681.3); c.1296G>C, p.Met432Ile (NM_001424108.1); c.630G>C, p.Met210Ile (NM_001424109.1); short protein forms M432I, M150I, M210I, M492I, M385I, M406I.
Identifiers: ClinVar variation 3693557 (VCV003693557.2).

ClinVar aggregate classification (germline): Uncertain significance (1 of 4 stars; one submission).

gnomAD v4.1: 3 of 1,568,492 alleles (0.00019%); highest among the groups gnomAD compares: South Asian, 0.0035%; no homozygotes.

Submission:

Labcorp Genetics (formerly Invitae), Labcorp
Classification: Uncertain significance. Last evaluated: 2024-12-30. Review status: criteria provided, single submitter. Criteria: Invitae Variant Classification Sherloc (09022015). Collection method: clinical testing. Allele origin: germline.
Comment: This sequence change replaces methionine, which is neutral and non-polar, with isoleucine, which is neutral and non-polar, at codon 492 of the COL11A2 protein (p.Met492Ile). This variant is not present in population databases (gnomAD no frequency). This variant has not been reported in the literature in individuals affected with COL11A2-related conditions. Invitae Evidence Modeling of protein sequence and biophysical properties (such as structural, functional, and spatial information, amino acid conservation, physicochemical variation, residue mobility, and thermodynamic stability) indicates that this missense variant is not expected to disrupt COL11A2 protein function with a negative predictive value of 95%. In summary, the available evidence is currently insufficient to determine the role of this variant in disease. Therefore, it has been classified as a Variant of Uncertain Significance.